The following is an entry in ClinVar:

ClinVar aggregate classification (germline): Uncertain significance (1 of 4 stars; one submission).

Conditions:
Cardiovascular phenotype. Identifiers: MedGen CN230736.

Submission:

Ambry Genetics
Classification: Uncertain significance for Cardiovascular phenotype. Last evaluated: 2021-11-17. Review status: criteria provided, single submitter. Criteria: Ambry Variant Classification Scheme 2023. Collection method: clinical testing. Allele origin: germline.
Comment: The c.16703_16705delTTA variant (also known as p.I5568del) is located in coding exon 64 of the TTN gene. This variant results from an in-frame TTA deletion at nucleotide positions 16703 to 16705. This results in the in-frame deletion of an isoleucine at codon 5568. This amino acid position is well conserved in available vertebrate species. In addition, this alteration is predicted to be deleterious by in silico analysis (Choi Y et al. PLoS ONE. 2012; 7(10):e46688). Since supporting evidence is limited at this time, the clinical significance of this alteration remains unclear.

NM_001267550.2(TTN):c.43895TTA[1] (p.Ile14633del)

Gene: TTN (titin; minus strand). Cytogenetic location: 2q31.2.
Variant type: Microsatellite.
Coding change: c.43895TTA[1] on transcript NM_001267550.2 (MANE Select); one copy of the 3-base unit TTA starting at c.43895; the reference has two copies in a row; one copy, 3 bases deleted.
Protein change: p.Ile14633del; deletes isoleucine 14633.
Molecular consequence: inframe deletion.
Genome position (GRCh38, 1-based): chr2:178,631,148-178,631,150, TAA deleted on the plus strand (TTA on the coding strand, the reverse complement: TTN is on the minus strand); deleting any 3 consecutive bases within chr2:178,631,148-178,631,153 gives the same sequence; the position shown is the placement nearest the transcript's 3' end. VCF-style (leftmost placement, unchanged base first): chr2-178631147-TTAA-T. GRCh37 (hg19) VCF-style: chr2-179495874-TTAA-T.
Other names: c.38972TTA[1], p.Ile12992del (NM_001256850.1); c.16700TTA[1], p.Ile5568del (NM_003319.4); c.36191TTA[1], p.Ile12065del (NM_133378.4); c.17075TTA[1], p.Ile5693del (NM_133432.3); c.17276TTA[1], p.Ile5760del (NM_133437.4); c.16703_16705delTTA (NM_003319.4); short protein forms I14633del, I5568del, I12992del, I5760del, I12065del, I5693del.
Identifiers: ClinVar variation 1777669 (VCV001777669.2), dbSNP rs2471416431, ClinGen allele CA2580614495.